The following is an entry in ClinVar:

ClinVar aggregate classification (germline): Uncertain significance (1 of 4 stars; one submission).

Conditions:
Hereditary cancer-predisposing syndrome. Also called: Neoplastic Syndromes, Hereditary; Tumor predisposition; Hereditary Cancer Syndrome; Hereditary neoplastic syndrome. Identifiers: Orphanet 140162, MedGen C0027672, MeSH D009386, MONDO:0015356.

Allele frequency attached by ClinVar (database versions not stated): gnomAD exomes below 0.00001.

Submission:

Ambry Genetics
Classification: Uncertain significance for Hereditary cancer-predisposing syndrome. Last evaluated: 2022-07-19. Review status: criteria provided, single submitter. Criteria: Ambry Variant Classification Scheme 2023. Collection method: clinical testing. Allele origin: germline.
Comment: The p.D387N variant (also known as c.1159G>A), located in coding exon 10 of the MRE11A gene, results from a G to A substitution at nucleotide position 1159. The aspartic acid at codon 387 is replaced by asparagine, an amino acid with highly similar properties. This amino acid position is conserved. In addition, this alteration is predicted to be tolerated by in silico analysis. Since supporting evidence is limited at this time, the clinical significance of this alteration remains unclear.

NM_005591.4(MRE11):c.1159G>A (p.Asp387Asn)

Gene: MRE11 (MRE11 double strand break repair nuclease; minus strand). Cytogenetic location: 11q21.
Variant type: single nucleotide variant.
Coding change: c.1159G>A on transcript NM_005591.4 (MANE Select); coding-DNA position 1159, G replaced by A.
Protein change: p.Asp387Asn; replaces aspartic acid 387 with asparagine.
Molecular consequence: missense variant.
Genome position (GRCh38, 1-based): chr11:94,464,179, C>T on the plus strand (G>A on the coding strand, the complement: MRE11 is on the minus strand). VCF-style: chr11-94464179-C-T. GRCh37 (hg19) VCF-style: chr11-94197345-C-T.
Other names: c.1159G>A, p.Asp387Asn (NM_001330347.2, NM_005590.4); short protein forms D387N.
Identifiers: ClinVar variation 1800099 (VCV001800099.2), dbSNP rs1591680992, ClinGen allele CA382372875.